The following is an entry in ClinVar:

NM_175914.5(HNF4A):c.278G>A (p.Cys93Tyr)

Gene: HNF4A (hepatocyte nuclear factor 4 alpha; plus strand). Cytogenetic location: 20q13.12.
Variant type: single nucleotide variant.
Coding change: c.278G>A on transcript NM_175914.5 (MANE Select); coding-DNA position 278, G replaced by A.
Protein change: p.Cys93Tyr; replaces cysteine 93 with tyrosine.
Molecular consequence: missense variant.
Genome position (GRCh38, 1-based): chr20:44,407,434, G>A. VCF-style: chr20-44407434-G-A. GRCh37 (hg19) VCF-style: chr20-43036074-G-A.
Other names: NM_175914.5:c.278G>A; c.344G>A, p.Cys115Tyr (NM_000457.6, NM_178849.3, NM_178850.3); c.278G>A, p.Cys93Tyr (NM_001030003.3, NM_001030004.3); c.323G>A, p.Cys108Tyr (NM_001258355.2); c.269G>A, p.Cys90Tyr (NM_001287182.2, NM_001287183.2, NM_001287184.2); short protein forms C108Y, C115Y, C90Y, C93Y.
Identifiers: ClinVar variation 2502290 (VCV002502290.1), dbSNP rs2515651025, ClinGen allele CA409104278.
Genomic context (GRCh38, chr20:44,407,434, plus strand): 5'-TCCCCAGATTTAGCCGGCAGTGCGTGGTGGACAAAGACAAGAGGAACCAGTGCCGCTACT[G>A]CAGGCTCAAGAAATGCTTCCGGGCTGGCATGAAGAAGGAAGGTGAGCCTCGGCCCTCCCC-3'
Protein context (NP_787110.2, residues 83-103): DKDKRNQCRY[Cys93Tyr]RLKKCFRAGM

ClinVar aggregate classification (germline): Likely pathogenic (3 of 4 stars; one submission).

Conditions:
Monogenic diabetes. Identifiers: Orphanet 183625, MedGen C3888631, MONDO:0015967.

Submission:

ClinGen Monogenic Diabetes Variant Curation Expert Panel
Classification: Likely pathogenic for Monogenic diabetes. Last evaluated: 2023-03-28. Review status: reviewed by expert panel. Criteria: MDEP HNF4A Specificiations 1.0.0. Collection method: curation. Allele origin: germline. Inheritance: Autosomal dominant inheritance.
Comment: The c.278G>A variant in the hepatocyte nuclear factor-4 alpha gene, HNF4A, causes an amino acid change of cystine to histidine at codon 93 (p.(Cys93Tyr)) of NM_175914.5.This variant was identified as a de novo occurrence with unconfirmed parental relationships in one individual with a clinical picture consistent with HNF4A-MODY (MODY probability calculator result >50% and negative genetic testing for HNF1A) (PS2_Moderate; PMID: 30447144). This variant also resides in an amino acid within the HNF4A DNA binding domain that directly binds DNA and is necessary for zinc finger formation which is defined as critical for the protein’s function by the ClinGen MDEP (PM1). In addition, this variant is absent from gnomAD v2.1.1 (PM2_Supporting). This variant is also predicted to be deleterious by computational evidence, with a REVEL score of 0.958, which is greater than the MDEP VCEP threshold of 0.70 (PP3). This variant was identified in an individual with a clinical history highly specific for HNF4A-MODY (MODY probability calculator result >50%, negative genetic testing for HNF1A as well as negative diabetes autoantibodies ) (PP4_Moderate; PMID: 30447144, internal lab contributors). Lastly, another missense variant, c.278G>C p., p.Cys106Ser has been interpreted as pathogenic by the ClinGen MDEP, and p.Cys93Tyr has a greater Grantham distance (PM5). In summary, c.278G>A meets the criteria to be classified as likely pathogenic for monogenic diabetes. ACMG/AMP criteria applied, as specified by the ClinGen MDEP (specification version 1.1.0 approved 11/16/2022): PS2_Moderate, PM1, PM2_Supporting, PP3, PP4_Moderate, PM5.